The following is an entry in ClinVar:

NM_000071.3(CBS):c.883C>G (p.Gln295Glu)

Gene: CBS (cystathionine beta-synthase; minus strand). Cytogenetic location: 21q22.3.
Variant type: single nucleotide variant.
Coding change: c.883C>G on transcript NM_000071.3 (MANE Select); coding-DNA position 883, C replaced by G.
Protein change: p.Gln295Glu; replaces glutamine 295 with glutamic acid.
Molecular consequence: missense variant.
Genome position (GRCh38, 1-based): chr21:43,063,024, G>C on the plus strand (C>G on the coding strand, the complement: CBS is on the minus strand). VCF-style: chr21-43063024-G-C. GRCh37 (hg19) VCF-style: chr21-44483134-G-C.
Other names: c.883C>G, p.Gln295Glu (NM_001178008.3, NM_001178009.3, NM_001320298.2); c.568C>G, p.Gln190Glu (NM_001321072.1); short protein forms Q190E, Q295E.
Identifiers: ClinVar variation 1764837 (VCV001764837.2), dbSNP rs562885611, ClinGen allele CA321091414.

ClinVar aggregate classification (germline): Uncertain significance (1 of 4 stars; one submission).

Conditions:
Familial thoracic aortic aneurysm and aortic dissection (TAAD). Also called: Thoracic aortic aneurysms and dissections. Identifiers: Orphanet 91387, MedGen C4707243, MONDO:0019625.

Allele frequency attached by ClinVar (database versions not stated): 1000 Genomes Project 0.00020.

Submission:

Ambry Genetics
Classification: Uncertain significance for Familial thoracic aortic aneurysm and aortic dissection. Last evaluated: 2022-03-03. Review status: criteria provided, single submitter. Criteria: Ambry Variant Classification Scheme 2023. Collection method: clinical testing. Allele origin: germline.
Comment: The p.Q295E variant (also known as c.883C>G), located in coding exon 8 of the CBS gene, results from a C to G substitution at nucleotide position 883. The glutamine at codon 295 is replaced by glutamic acid, an amino acid with highly similar properties. This amino acid position is conserved. In addition, this alteration is predicted to be tolerated by in silico analysis. Since supporting evidence is limited at this time, the clinical significance of this alteration remains unclear.